The following is an entry in ClinVar:

ClinVar aggregate classification (germline): Pathogenic (1 of 4 stars; one submission).

Conditions:
Hepatic veno-occlusive disease-immunodeficiency syndrome. Also called: Hepatic Veno-Occlusive Disease with Immunodeficiency. Identifiers: Orphanet 79124, MedGen C1856128, MONDO:0009338, OMIM 235550. Disease mechanism: loss of function.

Submission:

Labcorp Genetics (formerly Invitae), Labcorp
Classification: Pathogenic for Hepatic veno-occlusive disease-immunodeficiency syndrome. Last evaluated: 2020-05-24. Review status: criteria provided, single submitter. Criteria: Invitae Variant Classification Sherloc (09022015). Collection method: clinical testing. Allele origin: germline.
Comment: A gross deletion of the genomic region encompassing the full coding sequence of the SP110 gene has been identified. The boundaries of this event are unknown as the deletion extends beyond the assayed region for this gene and therefore may encompass additional genes. This variant has not been reported in the literature in individuals with SP110-related conditions. Loss-of-function variants in SP110 are known to be pathogenic (PMID: 16648851, 22621957). For these reasons, this variant has been classified as Pathogenic.

Literature cited by the submitters: PubMed 16648851; PubMed 22621957.

NC_000002.11:g.(?_231033820)_(231086456_?)del

Gene: SP110 (SP110 nuclear body protein; minus strand). Cytogenetic location: 2q37.1.
Variant type: Deletion.
Identifiers: ClinVar variation 1069349 (VCV001069349.1).